The following is an entry in ClinVar:

NM_022124.6(CDH23):c.8673C>T (p.Phe2891=)

Gene: CDH23 (cadherin related 23; plus strand). Cytogenetic location: 10q22.1.
Variant type: single nucleotide variant.
Coding change: c.8673C>T on transcript NM_022124.6 (MANE Select); coding-DNA position 8673, C replaced by T.
Protein change: p.Phe2891=; no amino-acid change (phenylalanine 2891 retained).
Molecular consequence: synonymous variant.
Genome position (GRCh38, 1-based): chr10:71,807,958, C>T. VCF-style: chr10-71807958-C-T. GRCh37 (hg19) VCF-style: chr10-73567715-C-T.
Other names: c.1953C>T, p.Phe651= (NM_001171933.1, NM_001171934.1).
Identifiers: ClinVar variation 799971 (VCV000799971.11), dbSNP rs767574624, ClinGen allele CA5546709.

ClinVar aggregate classification (germline): Likely benign. Review status: criteria provided, multiple submitters, no conflicts (2 of 4 stars). 2 submissions from 2 submitters: Likely benign (2). Last evaluated 2025-05-06.

Conditions:
CDH23-related disorder. Also called: CDH23-related condition; CDH23-related disorders.

Allele frequency attached by ClinVar (database versions not stated): TOPMed below 0.00001; gnomAD 0.00001; gnomAD exomes 0.00001; ExAC 0.00004.
gnomAD v4.1: 18 of 1,600,708 alleles (0.0011%); highest among the groups gnomAD compares: Admixed American, 0.0017%; no homozygotes.

Submissions (2):

PreventionGenetics, part of Exact Sciences
Classification: Likely benign for CDH23-related condition. Last evaluated: 2025-05-06. Review status: criteria provided, single submitter. Criteria: ACMG Guidelines, 2015. Collection method: clinical testing. Allele origin: germline.
Comment: This variant is classified as likely benign based on ACMG/AMP sequence variant interpretation guidelines (Richards et al. 2015 PMID: 25741868, with internal and published modifications).

Labcorp Genetics (formerly Invitae), Labcorp
Classification: Likely benign. Last evaluated: 2022-04-28. Review status: criteria provided, single submitter. Criteria: Invitae Variant Classification Sherloc (09022015). Collection method: clinical testing. Allele origin: germline.